The following is an entry in ClinVar:

ClinVar aggregate classification (germline): Uncertain significance (1 of 4 stars; one submission).

Conditions:
Neurodevelopmental disorder with or without anomalies of the brain, eye, or heart (NEDBEH). Identifiers: Orphanet 494344, MedGen C5567477, MONDO:0014857, OMIM 616975.

Submission:

Baylor Genetics
Classification: Uncertain significance for Neurodevelopmental disorder with or without anomalies of the brain, eye, or heart. Last evaluated: 2020-01-16. Review status: criteria provided, single submitter. Criteria: ACMG Guidelines, 2015. Collection method: clinical testing. Allele origin: unknown. Affected: yes.
Comment: This variant was determined to be of uncertain significance according to ACMG Guidelines, 2015 [PMID:25741868].

NM_001042681.2(RERE):c.3221C>A (p.Ala1074Glu)

Gene: RERE (arginine-glutamic acid dipeptide repeats; minus strand). Cytogenetic location: 1p36.23.
Variant type: single nucleotide variant.
Coding change: c.3221C>A on transcript NM_001042681.2 (MANE Select); coding-DNA position 3221, C replaced by A.
Protein change: p.Ala1074Glu; replaces alanine 1074 with glutamic acid.
Molecular consequence: missense variant.
Genome position (GRCh38, 1-based): chr1:8,360,286, G>T on the plus strand (C>A on the coding strand, the complement: RERE is on the minus strand). VCF-style: chr1-8360286-G-T. GRCh37 (hg19) VCF-style: chr1-8420346-G-T.
Other names: c.1559C>A, p.Ala520Glu (NM_001042682.2); c.3221C>A, p.Ala1074Glu (NM_012102.4); short protein forms A520E, A1074E.
Identifiers: ClinVar variation 1031181 (VCV001031181.1), dbSNP rs764784467, ClinGen allele CA338171035.